The following is an entry in ClinVar:

NM_022041.4(GAN):c.1310C>G (p.Ser437Cys)

Gene: GAN (gigaxonin; plus strand). Cytogenetic location: 16q23.2.
Variant type: single nucleotide variant.
Coding change: c.1310C>G on transcript NM_022041.4 (MANE Select); coding-DNA position 1310, C replaced by G.
Protein change: p.Ser437Cys; replaces serine 437 with cysteine.
Molecular consequence: missense variant.
Genome position (GRCh38, 1-based): chr16:81,365,047, C>G. VCF-style: chr16-81365047-C-G. GRCh37 (hg19) VCF-style: chr16-81398652-C-G.
Other names: c.671C>G, p.Ser224Cys (NM_001377486.1); short protein forms S224C, S437C.
Identifiers: ClinVar variation 1462682 (VCV001462682.8), dbSNP rs1464376673, ClinGen allele CA396890948.

ClinVar aggregate classification (germline): Uncertain significance (1 of 4 stars; one submission).

Conditions:
Giant axonal neuropathy 1 (GAN1). Also called: GIANT AXONAL NEUROPATHY 1, AUTOSOMAL RECESSIVE; GAN-Related Neurodegeneration. Identifiers: Orphanet 643, MedGen C1850386, MONDO:0009749, OMIM 256850.

Allele frequency attached by ClinVar (database versions not stated): gnomAD exomes below 0.00001.
gnomAD v4.1: 1 of 1,613,486 alleles (0.000062%); highest among the groups gnomAD compares: African/African-American, 0.0013%; no homozygotes.

Submission:

Labcorp Genetics (formerly Invitae), Labcorp
Classification: Uncertain significance for Giant axonal neuropathy 1. Last evaluated: 2021-04-23. Review status: criteria provided, single submitter. Criteria: Invitae Variant Classification Sherloc (09022015). Collection method: clinical testing. Allele origin: germline.
Comment: In summary, the available evidence is currently insufficient to determine the role of this variant in disease. Therefore, it has been classified as a Variant of Uncertain Significance. Algorithms developed to predict the effect of missense changes on protein structure and function are either unavailable or do not agree on the potential impact of this missense change (SIFT: "Deleterious"; PolyPhen-2: "Probably Damaging"; Align-GVGD: "Class C0"). This variant has not been reported in the literature in individuals with GAN-related conditions. This variant is not present in population databases (ExAC no frequency). This sequence change replaces serine with cysteine at codon 437 of the GAN protein (p.Ser437Cys). The serine residue is highly conserved and there is a moderate physicochemical difference between serine and cysteine.